The following is an entry in ClinVar:

NM_000237.3(LPL):c.111C>T (p.Ile37=)

Gene: LPL (lipoprotein lipase; plus strand). Cytogenetic location: 8p21.3.
Variant type: single nucleotide variant.
Coding change: c.111C>T on transcript NM_000237.3 (MANE Select); coding-DNA position 111, C replaced by T.
Protein change: p.Ile37=; no amino-acid change (isoleucine 37 retained).
Molecular consequence: synonymous variant.
Genome position (GRCh38, 1-based): chr8:19,948,202, C>T. VCF-style: chr8-19948202-C-T. GRCh37 (hg19) VCF-style: chr8-19805713-C-T.
Other names: p.Ile37=.
Identifiers: ClinVar variation 796133 (VCV000796133.35), dbSNP rs374067507, ClinGen allele CA4655320.

ClinVar aggregate classification (germline): Likely benign. Review status: criteria provided, multiple submitters, no conflicts (2 of 4 stars). 7 submissions from 7 submitters: Likely benign (5). 2 of the submissions do not count toward it. Last evaluated 2025-12-29.

Conditions:
Cardiovascular phenotype. Identifiers: MedGen CN230736.
Hyperlipoproteinemia, type I. Also called: Hyperlipoproteinemia type 1; Hyperchylomicro-nemia familial; Familial chylomicronemia; Hyperlipemia idiopathic Burger-Grutz type; Lipase D deficiency; Familial Lipoprotein Lipase Deficiency. Identifiers: Orphanet 309015, Orphanet 444490, MedGen C0023817, MONDO:0009387, OMIM 238600. Disease mechanism: loss of function.
LPL-related disorder. Also called: LPL-related condition.

Allele frequency attached by ClinVar (database versions not stated): ExAC 0.00005; gnomAD 0.00006; ESP Exome Variant Server 0.00008; TOPMed 0.00008.

Submissions (7):

Labcorp Genetics (formerly Invitae), Labcorp
Classification: Likely benign. Last evaluated: 2025-12-29. Review status: criteria provided, single submitter. Criteria: Invitae Variant Classification Sherloc (09022015). Collection method: clinical testing. Allele origin: germline.

Mayo Clinic Laboratories, Mayo Clinic
Classification: Likely benign. Last evaluated: 2025-05-12. Review status: criteria provided, single submitter. Criteria: ACMG Guidelines, 2015. Collection method: clinical testing. Allele origin: germline. Observed: 1 variant allele.
Comment: BP4, BP7

CeGaT Center for Human Genetics Tuebingen
Classification: Likely benign. Last evaluated: 2024-04-01. Review status: criteria provided, single submitter. Criteria: CeGaT Center For Human Genetics Tuebingen Variant Classification Criteria Version 2. Collection method: clinical testing. Allele origin: germline. Affected: yes. Observed: 1 variant allele.
Comment: LPL: BP4, BP7

Women's Health and Genetics/Laboratory Corporation of America, LabCorp
Classification: Likely benign. Last evaluated: 2023-08-06. Review status: criteria provided, single submitter. Criteria: LabCorp Variant Classification Summary - May 2015. Collection method: clinical testing. Allele origin: germline.

Ambry Genetics
Classification: Likely benign for Cardiovascular phenotype. Last evaluated: 2019-10-20. Review status: criteria provided, single submitter. Criteria: Ambry Variant Classification Scheme 2023. Collection method: clinical testing. Allele origin: germline.

Natera, Inc.
Classification: Uncertain significance for Lipoprotein lipase deficiency. Last evaluated: 2020-01-17. Review status: no assertion criteria provided. Collection method: clinical testing. Allele origin: germline. Not counted in ClinVar's aggregate classification.

PreventionGenetics, part of Exact Sciences
Classification: Likely benign for LPL-related condition. Last evaluated: 2019-04-04. Review status: no assertion criteria provided. Collection method: clinical testing. Allele origin: germline. Not counted in ClinVar's aggregate classification.
Comment: This variant is classified as likely benign based on ACMG/AMP sequence variant interpretation guidelines (Richards et al. 2015 PMID: 25741868, with internal and published modifications).